The following is an entry in ClinVar:

NM_000051.4(ATM):c.7789-14T>G

Genes: ATM (ATM serine/threonine kinase; plus strand), C11orf65 (chromosome 11 open reading frame 65; minus strand). Cytogenetic location: 11q22.3.
Variant type: single nucleotide variant.
Coding change: c.7789-14T>G on transcript NM_000051.4 (MANE Select); 14 bases into the intron before coding-DNA position 7789, T replaced by G.
Molecular consequence: intron variant.
Genome position (GRCh38, 1-based): chr11:108,332,748, T>G. VCF-style: chr11-108332748-T-G. GRCh37 (hg19) VCF-style: chr11-108203475-T-G.
Other names: c.7789-14T>G (NM_001351834.2); c.641-23677A>C (NM_001330368.2); c.*38+2472A>C (NM_001351110.2).
Identifiers: ClinVar variation 2774717 (VCV002774717.1), dbSNP rs961324792, ClinGen allele CA228419182.
Genomic context (GRCh38, chr11:108,332,748, plus strand): 5'-TTTGTTTTTCTAACTCTGAGAAGTTTAAATGTTGGGTAGTTCCTTATGTAATGTTTTTTG[T>G]TTTTTATTAATAGGATCGAACAGAGGCTGCAAATAGAATAATATGTACTATCAGAAGTAG-3'

ClinVar aggregate classification (germline): Uncertain significance (1 of 4 stars; one submission).

Conditions:
Hereditary cancer-predisposing syndrome. Also called: Tumor predisposition; Neoplastic Syndromes, Hereditary; Hereditary Cancer Syndrome; Hereditary neoplastic syndrome. Identifiers: Orphanet 140162, MedGen C0027672, MeSH D009386, MONDO:0015356.

Allele frequency attached by ClinVar (database versions not stated): gnomAD exomes below 0.00001; TOPMed below 0.00001.
gnomAD v4.1: 1 of 1,610,454 alleles (0.000062%); highest among the groups gnomAD compares: Non-Finnish European, 0.000085%; no homozygotes.

Submission:

Color Diagnostics, LLC DBA Color Health
Classification: Uncertain significance for Hereditary cancer-predisposing syndrome. Last evaluated: 2023-05-24. Review status: criteria provided, single submitter. Criteria: ACMG Guidelines, 2015. Collection method: clinical testing. Allele origin: germline.
Comment: This variant causes a T to G nucleotide substitution at the -14 position of intron 52 of the ATM gene. To our knowledge, functional studies have not been reported for this variant. This variant has not been reported in individuals affected with ATM-related disorders in the literature. This variant has not been identified in the general population by the Genome Aggregation Database (gnomAD). The available evidence is insufficient to determine the role of this variant in disease conclusively. Therefore, this variant is classified as a Variant of Uncertain Significance.